The following is an entry in ClinVar:

ClinVar aggregate classification (germline): Uncertain significance (1 of 4 stars; one submission).

Allele frequency attached by ClinVar (database versions not stated): gnomAD exomes below 0.00001; TOPMed below 0.00001.
gnomAD v4.1: 3 of 1,547,116 alleles (0.00019%); highest among the groups gnomAD compares: African/African-American, 0.0014%; no homozygotes.

Submission:

Labcorp Genetics (formerly Invitae), Labcorp
Classification: Uncertain significance. Last evaluated: 2022-02-22. Review status: criteria provided, single submitter. Criteria: Invitae Variant Classification Sherloc (09022015). Collection method: clinical testing. Allele origin: germline.
Comment: This sequence change replaces tyrosine, which is neutral and polar, with histidine, which is basic and polar, at codon 2400 of the EYS protein (p.Tyr2400His). This variant is present in population databases (no rsID available, gnomAD 0.01%). This missense change has been observed in individual(s) with retinitis pigmentosa (Invitae). Algorithms developed to predict the effect of missense changes on protein structure and function output the following: SIFT: "Tolerated"; PolyPhen-2: "Possibly Damaging"; Align-GVGD: "Class C0". The histidine amino acid residue is found in multiple mammalian species, which suggests that this missense change does not adversely affect protein function. In summary, the available evidence is currently insufficient to determine the role of this variant in disease. Therefore, it has been classified as a Variant of Uncertain Significance.

NM_001142800.2(EYS):c.7198T>C (p.Tyr2400His)

Gene: EYS (eyes shut homolog; minus strand). Cytogenetic location: 6q12.
Variant type: single nucleotide variant.
Coding change: c.7198T>C on transcript NM_001142800.2 (MANE Select); coding-DNA position 7198, T replaced by C.
Protein change: p.Tyr2400His; replaces tyrosine 2400 with histidine.
Molecular consequence: missense variant.
Genome position (GRCh38, 1-based): chr6:63,864,216, A>G on the plus strand (T>C on the coding strand, the complement: EYS is on the minus strand). VCF-style: chr6-63864216-A-G. GRCh37 (hg19) VCF-style: chr6-64574109-A-G.
Other names: c.7198T>C, p.Tyr2400His (NM_001292009.2); short protein forms Y2400H.
Identifiers: ClinVar variation 2139754 (VCV002139754.1), dbSNP rs897660991, ClinGen allele CA140252574.